The following is an entry in ClinVar:

ClinVar aggregate classification (germline): Uncertain significance (1 of 4 stars; one submission).

gnomAD v4.1: 1 of 1,613,244 alleles (0.000062%); highest among the groups gnomAD compares: Admixed American, 0.0017%; no homozygotes.

Submission:

GeneDx
Classification: Uncertain significance. Last evaluated: 2025-01-31. Review status: criteria provided, single submitter. Criteria: GeneDx Variant Classification Process June 2021. Collection method: clinical testing. Allele origin: germline. Affected: yes.
Comment: Not observed at significant frequency in large population cohorts (gnomAD); In silico analysis supports that this missense variant has a deleterious effect on protein structure/function; Has not been previously published as pathogenic or benign to our knowledge

NM_001031679.3(MSRB3):c.386C>G (p.Ser129Cys)

Gene: MSRB3 (methionine sulfoxide reductase B3; plus strand). Cytogenetic location: 12q14.3.
Variant type: single nucleotide variant.
Coding change: c.386C>G on transcript NM_001031679.3 (MANE Select); coding-DNA position 386, C replaced by G.
Protein change: p.Ser129Cys; replaces serine 129 with cysteine.
Molecular consequence: missense variant.
Genome position (GRCh38, 1-based): chr12:65,453,821, C>G. VCF-style: chr12-65453821-C-G. GRCh37 (hg19) VCF-style: chr12-65847601-C-G.
Other names: c.386C>G, p.Ser129Cys (NM_001193460.2, NM_001193461.2); c.407C>G, p.Ser136Cys (NM_198080.4); short protein forms S129C, S136C.
Identifiers: ClinVar variation 4072596 (VCV004072596.1).